The following is an entry in ClinVar:

ClinVar aggregate classification (germline): Likely benign. Review status: criteria provided, single submitter (1 of 4 stars). 2 submissions from 2 submitters: Likely benign (1). 1 of the submissions does not count toward it. Last evaluated 2023-06-03.

Conditions:
Leber congenital amaurosis 1 (LCA1). Also called: AMAUROSIS CONGENITA OF LEBER I; RETINAL BLINDNESS, CONGENITAL; Congenital absence of the rods and cones; Leber's congenital tapetoretinal degeneration; Leber's congenital tapetoretinal dysplasia. Identifiers: Orphanet 65, MedGen C2931258, MONDO:0008764, OMIM 204000.
Cone-rod dystrophy 6 (CORD6). Also called: RETINAL CONE DYSTROPHY 2; Cone dystrophy progressive. Identifiers: Orphanet 1872, MedGen C1866293, MONDO:0011143, OMIM 601777.
GUCY2D-related disorder. Also called: GUCY2D-related condition.

Allele frequency attached by ClinVar (database versions not stated): TOPMed below 0.00001; gnomAD exomes 0.00001.
gnomAD v4.1: 3 of 1,613,592 alleles (0.00019%); highest among the groups gnomAD compares: Non-Finnish European, 0.00025%; no homozygotes.

Submissions (2):

Labcorp Genetics (formerly Invitae), Labcorp
Classification: Likely benign for Leber congenital amaurosis 1; Cone-rod dystrophy 6. Last evaluated: 2023-06-03. Review status: criteria provided, single submitter. Criteria: Invitae Variant Classification Sherloc (09022015). Collection method: clinical testing. Allele origin: germline.

PreventionGenetics, part of Exact Sciences
Classification: Likely benign for GUCY2D-related condition. Last evaluated: 2022-01-17. Review status: no assertion criteria provided. Collection method: clinical testing. Allele origin: germline. Not counted in ClinVar's aggregate classification.
Comment: This variant is classified as likely benign based on ACMG/AMP sequence variant interpretation guidelines (Richards et al. 2015 PMID: 25741868, with internal and published modifications).

NM_000180.4(GUCY2D):c.786C>T (p.Ala262=)

Gene: GUCY2D (guanylate cyclase 2D, retinal; plus strand). Cytogenetic location: 17p13.1.
Variant type: single nucleotide variant.
Coding change: c.786C>T on transcript NM_000180.4 (MANE Select); coding-DNA position 786, C replaced by T.
Protein change: p.Ala262=; no amino-acid change (alanine 262 retained).
Molecular consequence: synonymous variant.
Genome position (GRCh38, 1-based): chr17:8,003,916, C>T. VCF-style: chr17-8003916-C-T. GRCh37 (hg19) VCF-style: chr17-7907234-C-T.
Other names: c.786C>T (NM_000180.3).
Identifiers: ClinVar variation 2932558 (VCV002932558.5), dbSNP rs1975688868, ClinGen allele CA497953553.